The following is an entry in ClinVar:

ClinVar aggregate classification (germline): Uncertain significance (0 of 4 stars; one submission).

Conditions:
TRIP12-related disorder. Also called: TRIP12-related condition.

Submission:

PreventionGenetics, part of Exact Sciences
Classification: Uncertain significance for TRIP12-related condition. Last evaluated: 2024-09-06. Review status: no assertion criteria provided. Collection method: clinical testing. Allele origin: germline.
Comment: The TRIP12 c.4987A>G variant is predicted to result in the amino acid substitution p.Met1663Val. To our knowledge, this variant has not been reported in the literature. This variant is reported in 0.00088% of alleles in individuals of European (Non-Finnish) descent in gnomAD. At this time, the clinical significance of this variant is uncertain due to the absence of conclusive functional and genetic evidence.

NM_001348323.3(TRIP12):c.5068A>G (p.Met1690Val)

Gene: TRIP12 (thyroid hormone receptor interactor 12; minus strand). Cytogenetic location: 2q36.3.
Variant type: single nucleotide variant.
Coding change: c.5068A>G on transcript NM_001348323.3 (MANE Select); coding-DNA position 5068, A replaced by G.
Protein change: p.Met1690Val; replaces methionine 1690 with valine.
Molecular consequence: missense variant.
Genome position (GRCh38, 1-based): chr2:229,785,783, T>C on the plus strand (A>G on the coding strand, the complement: TRIP12 is on the minus strand). VCF-style: chr2-229785783-T-C. GRCh37 (hg19) VCF-style: chr2-230650499-T-C.
Other names: c.4987A>G, p.Met1663Val (NM_001284214.2, NM_001348315.2); c.4942A>G, p.Met1648Val (NM_001284215.2, NM_001348316.2); c.4033A>G, p.Met1345Val (NM_001284216.2); c.4927A>G, p.Met1643Val (NM_001348317.1, NM_001348318.2); c.5053A>G, p.Met1685Val (NM_001348319.1, NM_001348320.2); c.5056A>G, p.Met1686Val (NM_001348321.1); c.5068A>G, p.Met1690Val (NM_001348322.1, NM_001348324.2, NM_001348325.2 and 2 more transcripts); c.5071A>G, p.Met1691Val (NM_001348328.1, NM_001348329.2, NM_001348330.2); and 4 more; short protein forms M1345V, M1615V, M1616V, M1643V, M1648V, M1656V, M1663V, M1664V.
Identifiers: ClinVar variation 3346998 (VCV003346998.1).
Genomic context (GRCh38, chr2:229,785,783, plus strand): 5'-AAGCTAAATAACCATCACCAGACTCCAAGCTCACCTCATTTTCATACTGGATTTCTAACA[T>C]GGCCCGTGAGCTGCCGAGGTCCTGCATCACAGACTCCGCCTGTTTCAGCAGCTCCTCTCG-3'
Protein context (NP_001335252.1, residues 1680-1700): VMQDLGSSRA[Met1690Val]LEIQYENEVG